The following is an entry in ClinVar:

ClinVar aggregate classification (germline): Benign/Likely benign. Review status: criteria provided, multiple submitters, no conflicts (2 of 4 stars). 8 submissions from 8 submitters: Benign (6); Likely benign (2). Last evaluated 2026-02-03.

Conditions:
Hereditary spastic paraplegia 39 (SPG39). Also called: Spastic Paraplegia Type 39 (SPG39); SPASTIC PARAPLEGIA 39, AUTOSOMAL RECESSIVE. Identifiers: Orphanet 139480, MedGen C2677586, MONDO:0012787, OMIM 612020.
Trichomegaly-retina pigmentary degeneration-dwarfism syndrome (OMCS). Also called: OLIVER-MCFARLANE SYNDROME; Oliver-McFarlane Syndrome (OMCS); Eyelashes long mental retardation; Trichomegaly retina pigmentary degeneration dwarfism. Identifiers: Orphanet 3363, MedGen C1848745, MONDO:0010152, OMIM 275400.
Ataxia-hypogonadism-choroidal dystrophy syndrome (BNHS). Also called: Boucher-Neuhäuser Syndrome (BNS); Chorioretinal dystrophy, spinocerebellar ataxia and hypogonadotropic hypogonadism. Identifiers: Orphanet 1180, MedGen C1859093, MONDO:0008980, OMIM 215470.
Laurence-Moon syndrome (LNMS). Also called: PNPLA6-Related Laurence-Moon Syndrome (LMS). Identifiers: Orphanet 2377, MedGen C0023138, MONDO:0009514, OMIM 245800.
Hereditary spastic paraplegia. Also called: Familial spastic paraparesis. Identifiers: Orphanet 685, MedGen C0037773, MONDO:0019064. Disease mechanism: loss of function.

Allele frequency attached by ClinVar (database versions not stated): ExAC 0.00753; 1000 Genomes Project 30x 0.01249; gnomAD 0.01318 and 0.01227; TOPMed 0.01384; ESP Exome Variant Server 0.01527; gnomAD exomes 0.00299 and 0.00113; 1000 Genomes Project 0.01198.
gnomAD v4.1: 3,542 of 1,582,828 alleles (0.22%); highest among the groups gnomAD compares: African/African-American, 4.3%; 82 homozygotes.

Submissions (8):

Labcorp Genetics (formerly Invitae), Labcorp
Classification: Benign for Hereditary spastic paraplegia 39. Last evaluated: 2026-02-03. Review status: criteria provided, single submitter. Criteria: Invitae Variant Classification Sherloc (09022015). Collection method: clinical testing. Allele origin: germline.

Athena Diagnostics
Classification: Benign. Last evaluated: 2025-01-02. Review status: criteria provided, single submitter. Criteria: Athena Diagnostics Criteria. Collection method: clinical testing. Allele origin: unknown.
Comment: The frequency of this variant in the general population is higher than would generally be expected for pathogenic variants in this gene.

Fulgent Genetics
Classification: Likely benign for Ataxia-hypogonadism-choroidal dystrophy syndrome; Laurence-Moon syndrome; Trichomegaly-retina pigmentary degeneration-dwarfism syndrome; Hereditary spastic paraplegia 39. Last evaluated: 2022-05-13. Review status: criteria provided, single submitter. Criteria: ACMG Guidelines, 2015. Collection method: clinical testing. Allele origin: unknown.

Genome Diagnostics Laboratory, The Hospital for Sick Children
Classification: Benign for Hereditary spastic paraplegia. Last evaluated: 2021-04-07. Review status: criteria provided, single submitter. Criteria: ACMG Guidelines, 2015. Collection method: clinical testing. Allele origin: germline. Affected: yes.

Mayo Clinic Laboratories, Mayo Clinic
Classification: Benign. Last evaluated: 2021-04-02. Review status: criteria provided, single submitter. Criteria: ACMG Guidelines, 2015. Collection method: clinical testing. Allele origin: germline. Observed: 12 variant alleles.

GeneDx
Classification: Benign. Last evaluated: 2018-10-02. Review status: criteria provided, single submitter. Criteria: GeneDx Variant Classification Process June 2021. Collection method: clinical testing. Allele origin: germline. Affected: yes.

Illumina Laboratory Services, Illumina
Classification: Benign for Hereditary spastic paraplegia 39. Last evaluated: 2018-01-12. Review status: criteria provided, single submitter. Criteria: ICSL Variant Classification Criteria 13 December 2019. Collection method: clinical testing. Allele origin: germline.
Comment: This variant was observed in the ICSL laboratory as part of a predisposition screen in an ostensibly healthy population. It had not been previously curated by ICSL or reported in the Human Gene Mutation Database (HGMD: prior to June 1st, 2018), and was therefore a candidate for classification through an automated scoring system. Utilizing variant allele frequency, disease prevalence and penetrance estimates, and inheritance mode, an automated score was calculated to assess if this variant is too frequent to cause the disease. Based on the score and internal cut-off values, a variant classified as benign is not then subjected to further curation. The score for this variant resulted in a classification of benign for this disease.

Breakthrough Genomics
Classification: Likely benign. Review status: criteria provided, single submitter. Criteria: ACMG Guidelines, 2015. Collection method: not provided. Allele origin: germline. Inheritance: Autosomal recessive inheritance. Affected: yes.

NM_001166114.2(PNPLA6):c.181G>C (p.Val61Leu)

Gene: PNPLA6 (patatin like domain 6, lysophospholipase; plus strand). Cytogenetic location: 19p13.2.
Variant type: single nucleotide variant.
Coding change: c.181G>C on transcript NM_001166114.2 (MANE Select); coding-DNA position 181, G replaced by C.
Protein change: p.Val61Leu; replaces valine 61 with leucine.
Molecular consequence: missense variant.
Genome position (GRCh38, 1-based): chr19:7,535,969, G>C. VCF-style: chr19-7535969-G-C. GRCh37 (hg19) VCF-style: chr19-7600855-G-C.
Other names: p.Val22Leu; c.208G>C, p.Val70Leu (NM_001166111.2); c.64G>C, p.Val22Leu (NM_001166112.2, NM_001166113.1, NM_006702.5); short protein forms V22L, V61L, V70L.
Identifiers: ClinVar variation 240703 (VCV000240703.24), dbSNP rs112732576, ClinGen allele CA9139354.